The following is an entry in ClinVar:

ClinVar aggregate classification (germline): Uncertain significance (1 of 4 stars; one submission).

Submission:

Labcorp Genetics (formerly Invitae), Labcorp
Classification: Uncertain significance. Last evaluated: 2025-12-18. Review status: criteria provided, single submitter. Criteria: Invitae Variant Classification Sherloc (09022015). Collection method: clinical testing. Allele origin: germline.
Comment: This sequence change replaces phenylalanine, which is neutral and non-polar, with leucine, which is neutral and non-polar, at codon 235 of the BCL11B protein (p.Phe235Leu). This variant is not present in population databases (gnomAD no frequency). This variant has not been reported in the literature in individuals affected with BCL11B-related conditions. Invitae Evidence Modeling of protein sequence and biophysical properties (such as structural, functional, and spatial information, amino acid conservation, physicochemical variation, residue mobility, and thermodynamic stability) has been performed for this missense variant. However, the output from this modeling did not meet the statistical confidence thresholds required to predict the impact of this variant on BCL11B protein function. In summary, the available evidence is currently insufficient to determine the role of this variant in disease. Therefore, it has been classified as a Variant of Uncertain Significance.

NM_138576.4(BCL11B):c.703T>C (p.Phe235Leu)

Gene: BCL11B (BCL11 transcription factor B; minus strand). Cytogenetic location: 14q32.2.
Variant type: single nucleotide variant.
Coding change: c.703T>C on transcript NM_138576.4 (MANE Select); coding-DNA position 703, T replaced by C.
Protein change: p.Phe235Leu; replaces phenylalanine 235 with leucine.
Molecular consequence: missense variant.
Genome position (GRCh38, 1-based): chr14:99,176,133, A>G on the plus strand (T>C on the coding strand, the complement: BCL11B is on the minus strand). VCF-style: chr14-99176133-A-G. GRCh37 (hg19) VCF-style: chr14-99642470-A-G.
Other names: c.700T>C, p.Phe234Leu (NM_001282237.2); c.487T>C, p.Phe163Leu (NM_001282238.2); c.490T>C, p.Phe164Leu (NM_022898.3); short protein forms F234L, F163L, F235L, F164L.
Identifiers: ClinVar variation 4746843 (VCV004746843.1).
Genomic context (GRCh38, chr14:99,176,133, plus strand): 5'-CCGGCCCGGGCTCCAGGTAGATGCGGAAGCCGTGCGTGTTCTGCGCGTGCTGCAGCAGGA[A>G]CCACGCGCTGTTGAAGGGCTGCTTGCATGTTGTGCAAATGTAGCTGGAAGGCTCATCTTT-3'
Protein context (NP_612808.1, residues 225-245): TCKQPFNSAW[Phe235Leu]LLQHAQNTHG